The following is an entry in ClinVar:

NM_000059.4(BRCA2):c.1327G>T (p.Glu443Ter)

Gene: BRCA2 (BRCA2 DNA repair associated; plus strand). Cytogenetic location: 13q13.1.
Variant type: single nucleotide variant.
Coding change: c.1327G>T on transcript NM_000059.4 (MANE Select); coding-DNA position 1327, G replaced by T.
Protein change: p.Glu443Ter; replaces glutamic acid 443 with a stop codon.
Molecular consequence: nonsense.
Genome position (GRCh38, 1-based): chr13:32,332,805, G>T. VCF-style: chr13-32332805-G-T. GRCh37 (hg19) VCF-style: chr13-32906942-G-T.
Other names: short protein forms E443*.
Identifiers: ClinVar variation 51102 (VCV000051102.10), dbSNP rs397507579, ClinGen allele CA011622.

ClinVar aggregate classification (germline): Pathogenic. Review status: reviewed by expert panel (3 of 4 stars). 6 submissions from 6 submitters: Pathogenic (1). 5 of the submissions do not count toward it. Last evaluated 2016-09-08.

Conditions:
Hereditary cancer-predisposing syndrome. Also called: Hereditary Cancer Syndrome; Hereditary neoplastic syndrome; Neoplastic Syndromes, Hereditary; Tumor predisposition. Identifiers: Orphanet 140162, MedGen C0027672, MeSH D009386, MONDO:0015356.
Hereditary breast ovarian cancer syndrome. Also called: Hereditary breast and ovarian cancer syndrome (HBOC); Hereditary breast and ovarian cancer syndrome; Hereditary breast and/or ovarian cancer syndrome; Breast and ovarian cancer; BRCA1- and BRCA2-Associated Hereditary Breast and Ovarian Cancer; Hereditary breast and ovarian cancer. Identifiers: Orphanet 145, MedGen C0677776, MeSH D061325, MONDO:0003582. Disease mechanism: loss of function.
Breast-ovarian cancer, familial, susceptibility to, 2 (BROVCA2). Also called: BRCA2 Hereditary Breast and Ovarian Cancer. Identifiers: Orphanet 145, MedGen C2675520, MONDO:0012933, OMIM 612555. Disease mechanism: loss of function.

Submissions (6):

Evidence-based Network for the Interpretation of Germline Mutant Alleles (ENIGMA)
Classification: Pathogenic for Breast-ovarian cancer, familial, susceptibility to, 2. Last evaluated: 2016-09-08. Review status: reviewed by expert panel. Criteria: ENIGMA BRCA1/2 Classification Criteria (2015). Collection method: curation. Allele origin: germline.
Comment: Variant allele predicted to encode a truncated non-functional protein.

Ambry Genetics
Classification: Pathogenic for Hereditary cancer-predisposing syndrome. Last evaluated: 2026-03-02. Review status: criteria provided, single submitter. Criteria: Ambry Variant Classification Scheme 2023. Collection method: clinical testing. Allele origin: germline. Not counted in ClinVar's aggregate classification.
Comment: The p.E443* variant (also known as c.1327G>T), located in coding exon 9 of the BRCA2 gene, results from a G to T substitution at nucleotide position 1327. This changes the amino acid from a glutamic acid to a stop codon within coding exon 9. This variant is considered to be rare based on population cohorts in the Genome Aggregation Database (gnomAD). This alteration is expected to result in loss of function by premature protein truncation or nonsense-mediated mRNA decay. As such, this alteration is interpreted as a disease-causing mutation.

GeneKor MSA
Classification: Pathogenic for Hereditary breast and ovarian cancer syndrome. Last evaluated: 2020-01-01. Review status: criteria provided, single submitter. Criteria: ACMG Guidelines, 2015. Collection method: clinical testing. Allele origin: germline. Affected: yes. Not counted in ClinVar's aggregate classification.
Comment: This is a single base change resulting in the substitution of the glutamic acid at amino acid position 443 of the BRCA2 protein by a stop codon and therefore the production of a truncated protein. Truncating variants in the BRCA2 gene are known to be pathogenic.

Consortium of Investigators of Modifiers of BRCA1/2 (CIMBA), c/o University of Cambridge
Classification: Pathogenic for Breast-ovarian cancer, familial, susceptibility to, 2. Last evaluated: 2015-10-02. Review status: criteria provided, single submitter. Criteria: CIMBA Mutation Classification guidelines May 2016. Collection method: clinical testing. Allele origin: germline. Not counted in ClinVar's aggregate classification.

Quest Diagnostics Nichols Institute San Juan Capistrano
Classification: Pathogenic for Breast-ovarian cancer, familial, susceptibility to, 2. Last evaluated: 2015-02-06. Review status: criteria provided, single submitter. Criteria: Quest Diagnostics criteria. Collection method: clinical testing. Allele origin: germline. Inheritance: Autosomal dominant inheritance. Not counted in ClinVar's aggregate classification.

Counsyl
Classification: Pathogenic for Breast-ovarian cancer, familial 2. Last evaluated: 2015-01-22. Review status: no assertion criteria provided. Collection method: literature only. Allele origin: unknown. Inheritance: Autosomal dominant inheritance. Not counted in ClinVar's aggregate classification.

Literature cited by the submitters: PubMed 22762150 (cited by Quest Diagnostics Nichols Institute San Juan Capistrano and Counsyl); PubMed 26295337 (cited by Quest Diagnostics Nichols Institute San Juan Capistrano).